The following is an entry in ClinVar:

NM_006269.2(RP1):c.2782A>G (p.Thr928Ala)

Gene: RP1 (RP1 axonemal microtubule associated; plus strand). Cytogenetic location: 8q12.1.
Variant type: single nucleotide variant.
Coding change: c.2782A>G on transcript NM_006269.2 (MANE Select); coding-DNA position 2782, A replaced by G.
Protein change: p.Thr928Ala; replaces threonine 928 with alanine.
Molecular consequence: missense variant. On other transcripts: intron variant (1).
Genome position (GRCh38, 1-based): chr8:54,626,664, A>G. VCF-style: chr8-54626664-A-G. GRCh37 (hg19) VCF-style: chr8-55539224-A-G.
Other names: c.787+4376A>G (NM_001375654.1); short protein forms T928A.
Identifiers: ClinVar variation 1372583 (VCV001372583.6), dbSNP rs962121976, ClinGen allele CA177237315.

ClinVar aggregate classification (germline): Uncertain significance (1 of 4 stars; one submission).

Allele frequency attached by ClinVar (database versions not stated): TOPMed below 0.00001; gnomAD 0.00001.
gnomAD v4.1: 1 of 1,613,820 alleles (0.000062%); highest among the groups gnomAD compares: African/African-American, 0.0013%; no homozygotes.

Submission:

Labcorp Genetics (formerly Invitae), Labcorp
Classification: Uncertain significance. Last evaluated: 2025-08-05. Review status: criteria provided, single submitter. Criteria: Invitae Variant Classification Sherloc (09022015). Collection method: clinical testing. Allele origin: germline.
Comment: This sequence change replaces threonine, which is neutral and polar, with alanine, which is neutral and non-polar, at codon 928 of the RP1 protein (p.Thr928Ala). This variant is not present in population databases (gnomAD no frequency). This variant has not been reported in the literature in individuals affected with RP1-related conditions. ClinVar contains an entry for this variant (Variation ID: 1372583). An algorithm developed to predict the effect of missense changes on protein structure and function outputs the following: PolyPhen-2: "Benign". The alanine amino acid residue is found in multiple mammalian species, which suggests that this missense change does not adversely affect protein function. In summary, the available evidence is currently insufficient to determine the role of this variant in disease. Therefore, it has been classified as a Variant of Uncertain Significance.